The following is an entry in ClinVar:

NM_000782.5(CYP24A1):c.312del (p.Phe104fs)

Gene: CYP24A1 (cytochrome P450 family 24 subfamily A member 1; minus strand). Cytogenetic location: 20q13.2.
Variant type: Deletion.
Coding change: c.312del on transcript NM_000782.5 (MANE Select); coding-DNA position 312, one base deleted (T; older notation c.312delT).
Protein change: p.Phe104fs; shifts the reading frame from phenylalanine 104.
Molecular consequence: frameshift variant.
Genome position (GRCh38, 1-based): chr20:54,173,046, A deleted on the plus strand (T on the coding strand, the reverse complement: CYP24A1 is on the minus strand); the first of 3 consecutive A bases (chr20:54,173,046-54,173,048); deleting any one gives the same sequence. VCF-style (leftmost placement, unchanged base first): chr20-54173045-CA-C. GRCh37 (hg19) VCF-style: chr20-52789584-CA-C.
Other names: c.312del, p.Phe104fs (NM_001128915.2); short protein forms F104fs.
Identifiers: ClinVar variation 1442407 (VCV001442407.6), dbSNP rs2146513906, ClinGen allele CA2573157153.

ClinVar aggregate classification (germline): Pathogenic (1 of 4 stars; one submission).

Submission:

Labcorp Genetics (formerly Invitae), Labcorp
Classification: Pathogenic. Last evaluated: 2021-11-05. Review status: criteria provided, single submitter. Criteria: Invitae Variant Classification Sherloc (09022015). Collection method: clinical testing. Allele origin: germline.
Comment: For these reasons, this variant has been classified as Pathogenic. This sequence change creates a premature translational stop signal (p.Phe104Leufs*45) in the CYP24A1 gene. It is expected to result in an absent or disrupted protein product. Loss-of-function variants in CYP24A1 are known to be pathogenic (PMID: 21675912). This variant is not present in population databases (gnomAD no frequency). This variant has not been reported in the literature in individuals affected with CYP24A1-related conditions.

Literature cited by the submitters: PubMed 21675912.